The following is an entry in ClinVar:

NM_000093.5(COL5A1):c.408C>G (p.Pro136=)

Gene: COL5A1 (collagen type V alpha 1 chain; plus strand). Cytogenetic location: 9q34.3.
Variant type: single nucleotide variant.
Coding change: c.408C>G on transcript NM_000093.5 (MANE Select); coding-DNA position 408, C replaced by G.
Protein change: p.Pro136=; no amino-acid change (proline 136 retained).
Molecular consequence: synonymous variant.
Genome position (GRCh38, 1-based): chr9:134,700,039, C>G. VCF-style: chr9-134700039-C-G. GRCh37 (hg19) VCF-style: chr9-137591885-C-G.
Other names: c.408C>G, p.Pro136= (NM_001278074.1).
Identifiers: ClinVar variation 4689714 (VCV004689714.1).
Genomic context (GRCh38, chr9:134,700,039, plus strand): 5'-GGTCTCCATCTACAACGAGCAGGGTATCCAGCAGATTGGGCTGGAGCTGGGCCGCTCTCC[C>G]GTCTTCCTCTACGAGGACCACACGGGGAAGCCTGGCCCGGAAGACTACCCCCTCTTCCGG-3'
Protein context (NP_000084.3, residues 126-146): QQIGLELGRS[Pro136=]VFLYEDHTGK

ClinVar aggregate classification (germline): Likely benign (1 of 4 stars; one submission).

Submission:

Women's Health and Genetics/Laboratory Corporation of America, LabCorp
Classification: Likely benign. Last evaluated: 2026-01-26. Review status: criteria provided, single submitter. Criteria: LabCorp Variant Classification Summary - May 2015. Collection method: clinical testing. Allele origin: germline.
Comment: Variant summary: COL5A1 c.408C>G alters a conserved nucleotide resulting in a synonymous change. Consensus agreement among computation tools predict no significant impact on normal splicing. However, these predictions have yet to be confirmed by functional studies. The variant was absent in 250918 control chromosomes. The available data on variant occurrences in the general population are insufficient to allow any conclusion about variant significance. To our knowledge, no occurrence of c.408C>G in individuals affected with COL5A1-related conditions and no experimental evidence demonstrating its impact on protein function have been reported. No submitters have cited clinical-significance assessments for this variant to ClinVar. Based on the evidence outlined above, the variant was classified as likely benign.